The following is an entry in ClinVar:

NM_000843.4(GRM6):c.2276T>G (p.Leu759Arg)

Genes: GRM6 (glutamate metabotropic receptor 6; minus strand), ZNF454 (zinc finger protein 454; plus strand). Cytogenetic location: 5q35.3.
Variant type: single nucleotide variant.
Coding change: c.2276T>G on transcript NM_000843.4 (MANE Select); coding-DNA position 2276, T replaced by G.
Protein change: p.Leu759Arg; replaces leucine 759 with arginine.
Molecular consequence: missense variant.
Genome position (GRCh38, 1-based): chr5:178,983,070, A>C on the plus strand (T>G on the coding strand, the complement: GRM6 is on the minus strand). VCF-style: chr5-178983070-A-C. GRCh37 (hg19) VCF-style: chr5-178410071-A-C.
Other names: short protein forms L759R.
Identifiers: ClinVar variation 2114602 (VCV002114602.4), dbSNP rs1760433028, ClinGen allele CA362424554.

ClinVar aggregate classification (germline): Uncertain significance (1 of 4 stars; one submission).

Allele frequency attached by ClinVar (database versions not stated): TOPMed below 0.00001.

Submission:

Labcorp Genetics (formerly Invitae), Labcorp
Classification: Uncertain significance. Last evaluated: 2022-11-03. Review status: criteria provided, single submitter. Criteria: Invitae Variant Classification Sherloc (09022015). Collection method: clinical testing. Allele origin: germline.
Comment: In summary, the available evidence is currently insufficient to determine the role of this variant in disease. Therefore, it has been classified as a Variant of Uncertain Significance. Algorithms developed to predict the effect of missense changes on protein structure and function (SIFT, PolyPhen-2, Align-GVGD) all suggest that this variant is likely to be disruptive. This variant has not been reported in the literature in individuals affected with GRM6-related conditions. This variant is not present in population databases (gnomAD no frequency). This sequence change replaces leucine, which is neutral and non-polar, with arginine, which is basic and polar, at codon 759 of the GRM6 protein (p.Leu759Arg).